The following is an entry in ClinVar:

NM_013437.5(LRP12):c.1080T>C (p.Asn360=)

Gene: LRP12 (LDL receptor related protein 12; minus strand). Cytogenetic location: 8q22.3.
Variant type: single nucleotide variant.
Coding change: c.1080T>C on transcript NM_013437.5 (MANE Select); coding-DNA position 1080, T replaced by C.
Protein change: p.Asn360=; no amino-acid change (asparagine 360 retained).
Molecular consequence: synonymous variant.
Genome position (GRCh38, 1-based): chr8:104,497,472, A>G on the plus strand (T>C on the coding strand, the complement: LRP12 is on the minus strand). VCF-style: chr8-104497472-A-G. GRCh37 (hg19) VCF-style: chr8-105509700-A-G.
Other names: c.1023T>C, p.Asn341= (NM_001135703.3).
Identifiers: ClinVar variation 1335717 (VCV001335717.36), dbSNP rs143941159, ClinGen allele CA4838997.

ClinVar aggregate classification (germline): Likely benign. Review status: criteria provided, multiple submitters, no conflicts (2 of 4 stars). 2 submissions from 2 submitters: Likely benign (2). Last evaluated 2025-11-01.

Allele frequency attached by ClinVar (database versions not stated): 1000 Genomes Project 30x 0.00203; 1000 Genomes Project 0.00220; TOPMed 0.00432; gnomAD 0.00464 and 0.00471; ExAC 0.00465; gnomAD exomes 0.00491 and 0.00812; ESP Exome Variant Server 0.00630.
gnomAD v4.1: 12,361 of 1,614,148 alleles (0.77%); highest among the groups gnomAD compares: Non-Finnish European, 0.95%; 59 homozygotes.

Submissions (2):

CeGaT Center for Human Genetics Tuebingen
Classification: Likely benign. Last evaluated: 2025-11-01. Review status: criteria provided, single submitter. Criteria: CeGaT Center For Human Genetics Tuebingen Variant Classification Criteria Version 2. Collection method: clinical testing. Allele origin: germline. Affected: yes. Observed: 10 variant alleles.
Comment: LRP12: BP4, BP7, BS2

Breakthrough Genomics
Classification: Likely benign. Review status: criteria provided, single submitter. Criteria: ACMG Guidelines, 2015. Collection method: not provided. Allele origin: germline. Inheritance: Autosomal dominant inheritance. Affected: yes.